The following is an entry in ClinVar:

NM_015046.7(SETX):c.6227A>C (p.His2076Pro)

Gene: SETX (senataxin; minus strand). Cytogenetic location: 9q34.13.
Variant type: single nucleotide variant.
Coding change: c.6227A>C on transcript NM_015046.7 (MANE Select); coding-DNA position 6227, A replaced by C.
Protein change: p.His2076Pro; replaces histidine 2076 with proline.
Molecular consequence: missense variant.
Genome position (GRCh38, 1-based): chr9:132,288,333, T>G on the plus strand (A>C on the coding strand, the complement: SETX is on the minus strand). VCF-style: chr9-132288333-T-G. GRCh37 (hg19) VCF-style: chr9-135163720-T-G.
Other names: c.6227A>C, p.His2076Pro (NM_001351527.2, NM_001351528.2); short protein forms H2076P.
Identifiers: ClinVar variation 2128197 (VCV002128197.4), dbSNP rs1844052710, ClinGen allele CA375338210.
Genomic context (GRCh38, chr9:132,288,333, plus strand): 5'-CGGGAAAGCTCATCCAGCTGATAATCTAGAAATTCCTTTCTTTTATGCATCGCCTGAACA[T>G]GAGAAGGTAACTCTTTTTCTAATAAAAATAACAAATAAAAAATTATATGCTATTCTAATT-3'
Protein context (NP_055861.3, residues 2066-2086): NHRMKKELPS[His2076Pro]VQAMHKRKEF

ClinVar aggregate classification (germline): Uncertain significance (1 of 4 stars; one submission).

Conditions:
Spinocerebellar ataxia, autosomal recessive, with axonal neuropathy 2 (SCAN2). Also called: Ataxia with Oculomotor Apraxia Type 2; ATAXIA-OCULOMOTOR APRAXIA 2; Ataxia-ocular apraxia-2; Ataxia with Oculomotor Apraxia. Identifiers: Orphanet 64753, MedGen C1853761, MONDO:0018996, OMIM 606002.
Amyotrophic lateral sclerosis type 4 (ALS4). Also called: AMYOTROPHIC LATERAL SCLEROSIS 4, JUVENILE; NEURONOPATHY, DISTAL HEREDITARY MOTOR, WITH PYRAMIDAL FEATURES. Identifiers: Orphanet 357043, MedGen C1865409, MONDO:0011223, OMIM 602433.

Allele frequency attached by ClinVar (database versions not stated): gnomAD exomes below 0.00001.
gnomAD v4.1: 1 of 1,613,454 alleles (0.000062%); highest among the groups gnomAD compares: Non-Finnish European, 0.000085%; no homozygotes.

Submission:

Labcorp Genetics (formerly Invitae), Labcorp
Classification: Uncertain significance for Amyotrophic lateral sclerosis type 4; Spinocerebellar ataxia, autosomal recessive, with axonal neuropathy 2. Last evaluated: 2022-04-19. Review status: criteria provided, single submitter. Criteria: Invitae Variant Classification Sherloc (09022015). Collection method: clinical testing. Allele origin: germline.
Comment: This variant is not present in population databases (gnomAD no frequency). In summary, the available evidence is currently insufficient to determine the role of this variant in disease. Therefore, it has been classified as a Variant of Uncertain Significance. Advanced modeling of protein sequence and biophysical properties (such as structural, functional, and spatial information, amino acid conservation, physicochemical variation, residue mobility, and thermodynamic stability) performed at Invitae indicates that this missense variant is not expected to disrupt SETX protein function. This variant has not been reported in the literature in individuals affected with SETX-related conditions. This sequence change replaces histidine, which is basic and polar, with proline, which is neutral and non-polar, at codon 2076 of the SETX protein (p.His2076Pro).